The following is an entry in ClinVar:

NM_003480.4(MFAP5):c.349T>C (p.Tyr117His)

Gene: MFAP5 (microfibril associated protein 5; minus strand). Cytogenetic location: 12p13.31.
Variant type: single nucleotide variant.
Coding change: c.349T>C on transcript NM_003480.4 (MANE Select); coding-DNA position 349, T replaced by C.
Protein change: p.Tyr117His; replaces tyrosine 117 with histidine.
Molecular consequence: missense variant. On other transcripts: non-coding transcript variant (2), intron variant (1).
Genome position (GRCh38, 1-based): chr12:8,649,561, A>G on the plus strand (T>C on the coding strand, the complement: MFAP5 is on the minus strand). VCF-style: chr12-8649561-A-G. GRCh37 (hg19) VCF-style: chr12-8802157-A-G.
Other names: c.218-1358T>C (NM_001297712.2); c.319T>C, p.Tyr107His (NM_001297709.2); c.283T>C, p.Tyr95His (NM_001297710.2); c.274T>C, p.Tyr92His (NM_001297711.2); short protein forms Y107H, Y117H, Y92H, Y95H.
Identifiers: ClinVar variation 1718762 (VCV001718762.5), dbSNP rs2540286060, ClinGen allele CA384038949.

ClinVar aggregate classification (germline): Uncertain significance (1 of 4 stars; one submission).

Submission:

Labcorp Genetics (formerly Invitae), Labcorp
Classification: Uncertain significance. Last evaluated: 2022-09-03. Review status: criteria provided, single submitter. Criteria: Invitae Variant Classification Sherloc (09022015). Collection method: clinical testing. Allele origin: germline.
Comment: In summary, the available evidence is currently insufficient to determine the role of this variant in disease. Therefore, it has been classified as a Variant of Uncertain Significance. Algorithms developed to predict the effect of missense changes on protein structure and function are either unavailable or do not agree on the potential impact of this missense change (SIFT: "Deleterious"; PolyPhen-2: "Probably Damaging"; Align-GVGD: "Class C0"). This variant has not been reported in the literature in individuals affected with MFAP5-related conditions. This variant is not present in population databases (gnomAD no frequency). This sequence change replaces tyrosine, which is neutral and polar, with histidine, which is basic and polar, at codon 117 of the MFAP5 protein (p.Tyr117His).